The following is an entry in ClinVar:

NM_006364.4(SEC23A):c.413G>T (p.Cys138Phe)

Gene: SEC23A (SEC23 homolog A, COPII coat complex component; minus strand). Cytogenetic location: 14q21.1.
Variant type: single nucleotide variant.
Coding change: c.413G>T on transcript NM_006364.4 (MANE Select); coding-DNA position 413, G replaced by T.
Protein change: p.Cys138Phe; replaces cysteine 138 with phenylalanine.
Molecular consequence: missense variant.
Genome position (GRCh38, 1-based): chr14:39,091,667, C>A on the plus strand (G>T on the coding strand, the complement: SEC23A is on the minus strand). VCF-style: chr14-39091667-C-A. GRCh37 (hg19) VCF-style: chr14-39560871-C-A.
Other names: short protein forms C138F.
Identifiers: ClinVar variation 3362846 (VCV003362846.3).
Genomic context (GRCh38, chr14:39,091,667, plus strand): 5'-AAAAGACTTAATGACATCTGCATGGATTCTTTCAGGGCTTGTAAATCTTCATCTTCCATG[C>A]AAGTATCAACCACATAGAGGAATATCAAAGGCATCTGAGGACCACGCTTTTAAAAAATTC-3'
Protein context (NP_006355.2, residues 128-148): PLIFLYVVDT[Cys138Phe]MEDEDLQALK

ClinVar aggregate classification (germline): Uncertain significance (1 of 4 stars; one submission).

Conditions:
Craniolenticulosutural dysplasia (CLSD). Also called: BOYADJIEV-JABS SYNDROME. Identifiers: Orphanet 50814, MedGen C1843042, MONDO:0011911, OMIM 607812.

Submission:

Neuberg Centre For Genomic Medicine, NCGM
Classification: Uncertain significance for Craniolenticulosutural dysplasia. Review status: criteria provided, single submitter. Criteria: ACMG Guidelines, 2015. Collection method: clinical testing. Allele origin: germline. Inheritance: Autosomal dominant inheritance. Affected: yes.
Comment: The observed missense c.413G>T(p.Cys138Phe) variant in SEC23A gene has not been reported previously as a pathogenic variant nor a benign variant, to our knowledge. The p.Cys138Phe variant is absent in gnomAD Exomes. This variant has not been submitted to the ClinVar database. Multiple lines of computational evidences (Polyphen - Probably damaging, SIFT - Damaging and MutationTaster - Disease causing) predict a damaging effect on protein structure and function for this variant. The reference amino acid at this position on SEC23A gene is predicted as conserved by GERP++ and PhyloP across 100 vertebrates. The amino acid Cys at position 138 is changed to a Phe changing protein sequence and it might alter its composition and physico-chemical properties. For these reasons, this variant has been classified as a Variant of Uncertain Significance (VUS).